The following is an entry in ClinVar:

NM_020922.5(WNK3):c.5329C>T (p.Pro1777Ser)

Gene: WNK3 (WNK lysine deficient protein kinase 3; minus strand). Cytogenetic location: Xp11.22.
Variant type: single nucleotide variant.
Coding change: c.5329C>T on transcript NM_020922.5 (MANE Select); coding-DNA position 5329, C replaced by T.
Protein change: p.Pro1777Ser; replaces proline 1777 with serine.
Molecular consequence: missense variant.
Genome position (GRCh38, 1-based): chrX:54,198,398, G>A on the plus strand (C>T on the coding strand, the complement: WNK3 is on the minus strand). VCF-style: chrX-54198398-G-A. GRCh37 (hg19) VCF-style: chrX-54224831-G-A.
Other names: c.5158C>T, p.Pro1720Ser (NM_001002838.4, NM_001395166.1); short protein forms P1720S, P1777S.
Identifiers: ClinVar variation 2454925 (VCV002454925.11), dbSNP rs200621254, ClinGen allele CA10424100.

ClinVar aggregate classification (germline): Conflicting classifications of pathogenicity. Review status: criteria provided, conflicting classifications (1 of 4 stars). 2 submissions from 2 submitters: Uncertain significance (1); Likely benign (1). Last evaluated 2025-08-01.

Allele frequency attached by ClinVar (database versions not stated): gnomAD 0.00009; gnomAD exomes 0.00009; TOPMed 0.00009; ExAC 0.00010.
gnomAD v4.1: 116 of 1,208,904 alleles (0.0096%); highest among the groups gnomAD compares: Middle Eastern, 0.28%; no homozygotes.

Submissions (2):

CeGaT Center for Human Genetics Tuebingen
Classification: Likely benign. Last evaluated: 2025-08-01. Review status: criteria provided, single submitter. Criteria: CeGaT Center For Human Genetics Tuebingen Variant Classification Criteria Version 2. Collection method: clinical testing. Allele origin: germline. Affected: yes. Observed: 1 variant allele.
Comment: WNK3: BP4, BS2

Ambry Genetics
Classification: Uncertain significance. Last evaluated: 2025-01-27. Review status: criteria provided, single submitter. Criteria: Ambry Variant Classification Scheme 2023. Collection method: clinical testing. Allele origin: germline.